The following is an entry in ClinVar:

ClinVar aggregate classification (germline): Uncertain significance (1 of 4 stars; one submission).

Allele frequency attached by ClinVar (database versions not stated): TOPMed below 0.00001.

Submission:

GeneDx
Classification: Uncertain significance. Last evaluated: 2022-01-31. Review status: criteria provided, single submitter. Criteria: GeneDx Variant Classification Process June 2021. Collection method: clinical testing. Allele origin: germline. Affected: yes.
Comment: Not observed at significant frequency in large population cohorts (gnomAD); In silico analysis supports that this missense variant does not alter protein structure/function; Has not been previously published as pathogenic or benign to our knowledge

NM_004247.4(EFTUD2):c.1073A>G (p.Lys358Arg)

Gene: EFTUD2 (elongation factor Tu GTP binding domain containing 2; minus strand). Cytogenetic location: 17q21.31.
Variant type: single nucleotide variant.
Coding change: c.1073A>G on transcript NM_004247.4 (MANE Select); coding-DNA position 1073, A replaced by G.
Protein change: p.Lys358Arg; replaces lysine 358 with arginine.
Molecular consequence: missense variant.
Genome position (GRCh38, 1-based): chr17:44,867,883, T>C on the plus strand (A>G on the coding strand, the complement: EFTUD2 is on the minus strand). VCF-style: chr17-44867883-T-C. GRCh37 (hg19) VCF-style: chr17-42945251-T-C.
Other names: c.968A>G, p.Lys323Arg (NM_001142605.2); c.1073A>G, p.Lys358Arg (NM_001258353.2); c.1043A>G, p.Lys348Arg (NM_001258354.2); short protein forms K323R, K348R, K358R.
Identifiers: ClinVar variation 1699751 (VCV001699751.2), dbSNP rs2050778832, ClinGen allele CA399816118.